The following is an entry in ClinVar:

NM_005732.4(RAD50):c.2426T>A (p.Ile809Asn)

Gene: RAD50 (RAD50 double strand break repair protein; plus strand). Cytogenetic location: 5q31.1.
Variant type: single nucleotide variant.
Coding change: c.2426T>A on transcript NM_005732.4 (MANE Select); coding-DNA position 2426, T replaced by A.
Protein change: p.Ile809Asn; replaces isoleucine 809 with asparagine.
Molecular consequence: missense variant.
Genome position (GRCh38, 1-based): chr5:132,603,948, T>A. VCF-style: chr5-132603948-T-A. GRCh37 (hg19) VCF-style: chr5-131939640-T-A.
Other names: short protein forms I809N.
Identifiers: ClinVar variation 583320 (VCV000583320.1), dbSNP rs1561645189, ClinGen allele CA360955430.
Genomic context (GRCh38, chr5:132,603,948, plus strand): 5'-ATTAAAGGAAATCATTTTGTTATATTCTTAAGATGGAACTTAAAGATGTTGAAAGAAAAA[T>A]TGCACAACAAGCAGCTAAGCTACAAGGAATAGACTTAGATCGAACTGTCCAACAAGTCAA-3'
Protein context (NP_005723.2, residues 799-819): QMELKDVERK[Ile809Asn]AQQAAKLQGI

ClinVar aggregate classification (germline): Uncertain significance (1 of 4 stars; one submission).

Conditions:
Hereditary cancer-predisposing syndrome. Also called: Neoplastic Syndromes, Hereditary; Hereditary Cancer Syndrome; Tumor predisposition; Hereditary neoplastic syndrome. Identifiers: Orphanet 140162, MedGen C0027672, MeSH D009386, MONDO:0015356.

Submission:

Labcorp Genetics (formerly Invitae), Labcorp
Classification: Uncertain significance for Hereditary cancer-predisposing syndrome. Last evaluated: 2018-05-21. Review status: criteria provided, single submitter. Criteria: Invitae Variant Classification Sherloc (09022015). Collection method: clinical testing. Allele origin: germline.
Comment: This sequence change replaces isoleucine with asparagine at codon 809 of the RAD50 protein (p.Ile809Asn). The isoleucine residue is moderately conserved and there is a large physicochemical difference between isoleucine and asparagine. This variant is not present in population databases (ExAC no frequency). This variant has not been reported in the literature in individuals with RAD50-related disease. Algorithms developed to predict the effect of missense changes on protein structure and function are either unavailable or do not agree on the potential impact of this missense change (SIFT: "Deleterious"; PolyPhen-2: "Probably Damaging"; Align-GVGD: "Class C0"). In summary, the available evidence is currently insufficient to determine the role of this variant in disease. Therefore, it has been classified as a Variant of Uncertain Significance.